The following is an entry in ClinVar:

ClinVar aggregate classification (germline): Uncertain significance. Review status: criteria provided, multiple submitters, no conflicts (2 of 4 stars). 3 submissions from 3 submitters: Uncertain significance (3). Last evaluated 2025-06-21.

Conditions:
P2RX2-related disorder. Also called: P2RX2-related condition.

Allele frequency attached by ClinVar (database versions not stated): gnomAD exomes below 0.00001; gnomAD 0.00001; TOPMed 0.00001.
gnomAD v4.1: 3 of 1,609,372 alleles (0.00019%); highest among the groups gnomAD compares: Admixed American, 0.0017%; no homozygotes.

Submissions (3):

PreventionGenetics, part of Exact Sciences
Classification: Uncertain significance for P2RX2-related condition. Last evaluated: 2025-06-21. Review status: criteria provided, single submitter. Criteria: ACMG Guidelines, 2015. Collection method: clinical testing. Allele origin: germline.
Comment: The P2RX2 c.374G>A variant is predicted to result in the amino acid substitution p.Cys125Tyr. To our knowledge, this variant has not been reported in the literature. This variant is reported in 0.0029% of alleles in individuals of Latino descent in gnomAD. At this time, the clinical significance of this variant is uncertain due to the absence of conclusive functional and genetic evidence.

GeneDx
Classification: Uncertain significance. Last evaluated: 2023-05-05. Review status: criteria provided, single submitter. Criteria: GeneDx Variant Classification Process June 2021. Collection method: clinical testing. Allele origin: germline. Affected: yes.
Comment: Not observed at significant frequency in large population cohorts (gnomAD); In silico analysis supports that this missense variant has a deleterious effect on protein structure/function; Has not been previously published as pathogenic or benign to our knowledge

Labcorp Genetics (formerly Invitae), Labcorp
Classification: Uncertain significance. Last evaluated: 2022-08-30. Review status: criteria provided, single submitter. Criteria: Invitae Variant Classification Sherloc (09022015). Collection method: clinical testing. Allele origin: germline.
Comment: This sequence change replaces cysteine, which is neutral and slightly polar, with tyrosine, which is neutral and polar, at codon 125 of the P2RX2 protein (p.Cys125Tyr). In summary, the available evidence is currently insufficient to determine the role of this variant in disease. Therefore, it has been classified as a Variant of Uncertain Significance. Algorithms developed to predict the effect of missense changes on protein structure and function (SIFT, PolyPhen-2, Align-GVGD) all suggest that this variant is likely to be disruptive. This missense change has been observed in at least one individual who was not affected with P2RX2-related conditions (Invitae). This variant has not been reported in the literature in individuals affected with P2RX2-related conditions. The frequency data for this variant in the population databases is considered unreliable, as metrics indicate poor data quality at this position in the gnomAD database.

NM_170682.4(P2RX2):c.374G>A (p.Cys125Tyr)

Gene: P2RX2 (purinergic receptor P2X 2; plus strand). Cytogenetic location: 12q24.33.
Variant type: single nucleotide variant.
Coding change: c.374G>A on transcript NM_170682.4 (MANE Select); coding-DNA position 374, G replaced by A.
Protein change: p.Cys125Tyr; replaces cysteine 125 with tyrosine.
Molecular consequence: missense variant. On other transcripts: intron variant (4).
Genome position (GRCh38, 1-based): chr12:132,619,743, G>A. VCF-style: chr12-132619743-G-A. GRCh37 (hg19) VCF-style: chr12-133196329-G-A.
Other names: c.374G>A (NM_174873.2); c.374G>A, p.Cys125Tyr (NM_001282165.2, NM_170683.4, NM_174873.3); c.310-101G>A (NM_016318.4, NM_001282164.2); c.241+169G>A (NM_012226.5); c.106-101G>A (NM_174872.3); short protein forms C125Y.
Identifiers: ClinVar variation 2069183 (VCV002069183.6), dbSNP rs1423738254, ClinGen allele CA387358534.